The following is an entry in ClinVar:

ClinVar aggregate classification (germline): Uncertain significance. Review status: criteria provided, multiple submitters, no conflicts (2 of 4 stars). 2 submissions from 2 submitters: Uncertain significance (2). Last evaluated 2024-03-06.

Conditions:
Familial thoracic aortic aneurysm and aortic dissection (TAAD). Also called: Thoracic aortic aneurysms and dissections. Identifiers: Orphanet 91387, MedGen C4707243, MONDO:0019625.

gnomAD v4.1: 2 of 1,614,074 alleles (0.00012%); highest among the groups gnomAD compares: Middle Eastern, 0.017%; no homozygotes.

Submissions (2):

Color Diagnostics, LLC DBA Color Health
Classification: Uncertain significance for Familial thoracic aortic aneurysm and aortic dissection. Last evaluated: 2024-03-06. Review status: criteria provided, single submitter. Criteria: ACMG Guidelines, 2015. Collection method: clinical testing. Allele origin: germline.
Comment: This missense variant replaces asparagine with serine at codon 1015 of the COL3A1 protein. Computational prediction tool suggests that this variant may not impact protein structure and function (internally defined REVEL score threshold <=0.5, PMID: 27666373). Splice site prediction tools suggest that this variant may not impact RNA splicing. To our knowledge, functional studies have not been performed for this variant. This variant has not been reported in individuals affected with cardiovascular disorders in the literature. This variant has not been identified in the general population by the Genome Aggregation Database (gnomAD). The available evidence is insufficient to determine the role of this variant in disease conclusively. Therefore, this variant is classified as a Variant of Uncertain Significance.

GeneDx
Classification: Uncertain significance. Last evaluated: 2017-03-13. Review status: criteria provided, single submitter. Criteria: GeneDx Variant Classification (06012015). Collection method: clinical testing. Allele origin: germline. Affected: yes.
Comment: The N1015S variant of uncertain significance in the COL3A1 gene has not been published as pathogenic or been reported as benign to our knowledge. N1015S is not observed in large population cohorts (Lek et al., 2016; 1000 Genomes Consortium et al., 2015; Exome Variant Server). The N1015S variant is a conservative amino acid substitution, which is not likely to impact secondary protein structure as these residues share similar properties. However, this substitution occurs at a position where only amino acids with similar properties to asparagine are tolerated across species. In silico analysis is inconsistent in its predictions as to whether or not the variant is damaging to the protein structure/function. Finally, the N1015S variant is located within a Gly-X-Y motif in the triple helical region of the COL3A1 gene, where the majority of pathogenic missense variants occur (Stenson et al., 2014; Symoens et al., 2012), yet it does not affect a Glycine residue.

NM_000090.4(COL3A1):c.3044A>G (p.Asn1015Ser)

Gene: COL3A1 (collagen type III alpha 1 chain; plus strand). Cytogenetic location: 2q32.2.
Variant type: single nucleotide variant.
Coding change: c.3044A>G on transcript NM_000090.4 (MANE Select); coding-DNA position 3044, A replaced by G.
Protein change: p.Asn1015Ser; replaces asparagine 1015 with serine.
Molecular consequence: missense variant.
Genome position (GRCh38, 1-based): chr2:189,006,210, A>G. VCF-style: chr2-189006210-A-G. GRCh37 (hg19) VCF-style: chr2-189870936-A-G.
Other names: short protein forms N1015S.
Identifiers: ClinVar variation 424210 (VCV000424210.6), dbSNP rs1064796863, ClinGen allele CA16617394.
Genomic context (GRCh38, chr2:189,006,210, plus strand): 5'-AAATGGCATTTGGAAGGTTTCAAGAAATTTTATTTCCTTTCTCATTTTTTAATCAGGGAA[A>G]CCCTGGATCAGATGGTCTTCCAGGCCGAGATGGATCTCCTGGTGGCAAGGTATAATAAAC-3'
Protein context (NP_000081.2, residues 1005-1025): GTAGEPGRDG[Asn1015Ser]PGSDGLPGRD